The following is an entry in ClinVar:

NM_015046.7(SETX):c.6996_7002del (p.Asp2332fs)

Gene: SETX (senataxin; minus strand). Cytogenetic location: 9q34.13.
Variant type: Deletion.
Coding change: c.6996_7002del on transcript NM_015046.7 (MANE Select); coding-DNA positions 6996 to 7002, 7 bases deleted (CAAAAGA; older notation c.6996_7002delCAAAAGA).
Protein change: p.Asp2332fs; shifts the reading frame from aspartic acid 2332.
Molecular consequence: frameshift variant.
Genome position (GRCh38, 1-based): chr9:132,275,354-132,275,360, TCTTTTG deleted on the plus strand (CAAAAGA on the coding strand, the reverse complement: SETX is on the minus strand); deleting any 7 consecutive bases within chr9:132,275,354-132,275,365 gives the same sequence; the c. name uses the placement nearest the transcript's 3' end. VCF-style (leftmost placement, unchanged base first): chr9-132275353-TTCTTTTG-T. GRCh37 (hg19) VCF-style: chr9-135150740-TTCTTTTG-T.
Other names: c.6996_7002del, p.Asp2332fs (NM_001351527.2, NM_001351528.2); short protein forms D2332fs.
Identifiers: ClinVar variation 802521 (VCV000802521.6), dbSNP rs1362178149, ClinGen allele CA860627843.

ClinVar aggregate classification (germline): Pathogenic/Likely pathogenic. Review status: criteria provided, multiple submitters, no conflicts (2 of 4 stars). 3 submissions from 3 submitters: Pathogenic (2); Likely pathogenic (1). Last evaluated 2025-12-05.

Conditions:
Amyotrophic lateral sclerosis type 4 (ALS4). Also called: NEURONOPATHY, DISTAL HEREDITARY MOTOR, WITH PYRAMIDAL FEATURES; AMYOTROPHIC LATERAL SCLEROSIS 4, JUVENILE. Identifiers: Orphanet 357043, MedGen C1865409, MONDO:0011223, OMIM 602433.
Spinocerebellar ataxia, autosomal recessive, with axonal neuropathy 2 (SCAN2). Also called: Ataxia with Oculomotor Apraxia Type 2; Ataxia with Oculomotor Apraxia; ATAXIA-OCULOMOTOR APRAXIA 2; Ataxia-ocular apraxia-2. Identifiers: Orphanet 64753, MedGen C1853761, MONDO:0018996, OMIM 606002.

Submissions (3):

Dasa
Classification: Likely pathogenic. Last evaluated: 2025-12-05. Review status: criteria provided, single submitter. Criteria: DASA Assertion Criteria. Collection method: clinical testing. Allele origin: germline.
Comment: NM_015046.7(SETX):c.6996_7002del (p.Asp2332Glufs*11) is a frameshift variant in SETX predicted to alter the reading frame and introduce a premature termination codon and is predicted to result in an absent or altered protein product. Loss of function is an established disease mechanism for SETX-associated disorders. Also, this variant is absent from population databases. Based on the currently available evidence, this variant is classified as likely pathogenic.

Labcorp Genetics (formerly Invitae), Labcorp
Classification: Pathogenic for Amyotrophic lateral sclerosis type 4; Spinocerebellar ataxia, autosomal recessive, with axonal neuropathy 2. Last evaluated: 2023-07-04. Review status: criteria provided, single submitter. Criteria: Invitae Variant Classification Sherloc (09022015). Collection method: clinical testing. Allele origin: germline.
Comment: For these reasons, this variant has been classified as Pathogenic. ClinVar contains an entry for this variant (Variation ID: 802521). This premature translational stop signal has been observed in individual(s) with autosomal recessive SETX-related conditions (PMID: 35426160). This variant is not present in population databases (gnomAD no frequency). This sequence change creates a premature translational stop signal (p.Asp2332Glufs*11) in the SETX gene. It is expected to result in an absent or disrupted protein product. Loss-of-function variants in SETX are known to be pathogenic (PMID: 14770181).

Mendelics
Classification: Pathogenic for Amyotrophic lateral sclerosis type 4. Last evaluated: 2019-05-28. Review status: criteria provided, single submitter. Criteria: Mendelics Assertion Criteria 2017. Collection method: clinical testing. Allele origin: unknown.

Literature cited by the submitters: PubMed 35426160 (cited by Labcorp Genetics (formerly Invitae), Labcorp); PubMed 14770181 (cited by Labcorp Genetics (formerly Invitae), Labcorp).